The following is an entry in ClinVar:

NM_001374259.2(IL12RB2):c.1903A>G (p.Ile635Val)

Gene: IL12RB2 (interleukin 12 receptor subunit beta 2; plus strand). Cytogenetic location: 1p31.3.
Variant type: single nucleotide variant.
Coding change: c.1903A>G on transcript NM_001374259.2 (MANE Select); coding-DNA position 1903, A replaced by G.
Protein change: p.Ile635Val; replaces isoleucine 635 with valine.
Molecular consequence: missense variant. On other transcripts: non-coding transcript variant (1), intron variant (1).
Genome position (GRCh38, 1-based): chr1:67,386,626, A>G. VCF-style: chr1-67386626-A-G. GRCh37 (hg19) VCF-style: chr1-67852309-A-G.
Other names: c.1903A>G, p.Ile635Val (NM_001258214.1, NM_001319233.1, NM_001559.3); c.1645A>G, p.Ile549Val (NM_001258215.1); c.1855+6503A>G (NM_001258216.1); short protein forms I635V, I549V.
Identifiers: ClinVar variation 2129528 (VCV002129528.4), dbSNP rs1022008990, ClinGen allele CA23489177.

ClinVar aggregate classification (germline): Uncertain significance (1 of 4 stars; one submission).

Allele frequency attached by ClinVar (database versions not stated): gnomAD exomes below 0.00001.

Submission:

Labcorp Genetics (formerly Invitae), Labcorp
Classification: Uncertain significance. Last evaluated: 2025-11-24. Review status: criteria provided, single submitter. Criteria: Invitae Variant Classification Sherloc (09022015). Collection method: clinical testing. Allele origin: germline.
Comment: This sequence change replaces isoleucine, which is neutral and non-polar, with valine, which is neutral and non-polar, at codon 635 of the IL12RB2 protein (p.Ile635Val). This variant is not present in population databases (gnomAD no frequency). This variant has not been reported in the literature in individuals affected with IL12RB2-related conditions. ClinVar contains an entry for this variant (Variation ID: 2129528). An algorithm developed to predict the effect of missense changes on protein structure and function outputs the following: PolyPhen-2: "Benign". The valine amino acid residue is found in multiple mammalian species, which suggests that this missense change does not adversely affect protein function. In summary, the available evidence is currently insufficient to determine the role of this variant in disease. Therefore, it has been classified as a Variant of Uncertain Significance.